The following is an entry in ClinVar:

NM_001077525.3(MTMR14):c.1256G>A (p.Arg419Gln)

Gene: MTMR14 (myotubularin related protein 14; plus strand). Cytogenetic location: 3p25.3.
Variant type: single nucleotide variant.
Coding change: c.1256G>A on transcript NM_001077525.3 (MANE Select); coding-DNA position 1256, G replaced by A.
Protein change: p.Arg419Gln; replaces arginine 419 with glutamine.
Molecular consequence: missense variant. On other transcripts: non-coding transcript variant (9).
Genome position (GRCh38, 1-based): chr3:9,688,716, G>A. VCF-style: chr3-9688716-G-A. GRCh37 (hg19) VCF-style: chr3-9730400-G-A.
Other names: c.1256G>A, p.Arg419Gln (NM_001077526.3, NM_022485.5); c.1325G>A, p.Arg442Gln (NM_001400518.1, NM_001400521.1); c.1253G>A, p.Arg418Gln (NM_001400519.1, NM_001400522.1); c.1181G>A, p.Arg394Gln (NM_001400520.1, NM_001400523.1, NM_001400528.1); c.1010G>A, p.Arg337Gln (NM_001400524.1, NM_001400527.1, NM_001400530.1); c.974G>A, p.Arg325Gln (NM_001400525.1, NM_001400529.1, NM_001400532.1); c.1250G>A, p.Arg417Gln (NM_001400526.1); c.1007G>A, p.Arg336Gln (NM_001400531.1); and 5 more; short protein forms R300Q, R312Q, R336Q, R132Q, R205Q, R417Q, R418Q, R442Q.
Identifiers: ClinVar variation 1915138 (VCV001915138.5), dbSNP rs369183361, ClinGen allele CA2240699.
Genomic context (GRCh38, chr3:9,688,716, plus strand): 5'-AGATAGATCTGGAATTTACTGCTCCGGCTTCCATTTCTAGGAGGAAGAGTTTGCCAGCCC[G>A]GGATGGAGGCTTCACCCTGGAAGACATCTGCATGCTGAGTGAGTCCTGGGCCCCAACAGA-3'
Protein context (NP_001070993.1, residues 409-429): KTQRRKSLPA[Arg419Gln]DGGFTLEDIC

ClinVar aggregate classification (germline): Uncertain significance (1 of 4 stars; one submission).

Allele frequency attached by ClinVar (database versions not stated): ExAC 0.00001; gnomAD exomes 0.00002; gnomAD 0.00003; TOPMed 0.00005; ESP Exome Variant Server 0.00008.
gnomAD v4.1: 31 of 1,614,066 alleles (0.0019%); highest among the groups gnomAD compares: East Asian, 0.011%; no homozygotes.

Submission:

Labcorp Genetics (formerly Invitae), Labcorp
Classification: Uncertain significance. Last evaluated: 2025-09-23. Review status: criteria provided, single submitter. Criteria: Invitae Variant Classification Sherloc (09022015). Collection method: clinical testing. Allele origin: germline.
Comment: This sequence change replaces arginine, which is basic and polar, with glutamine, which is neutral and polar, at codon 419 of the MTMR14 protein (p.Arg419Gln). This variant is present in population databases (rs369183361, gnomAD 0.004%). This variant has not been reported in the literature in individuals affected with MTMR14-related conditions. ClinVar contains an entry for this variant (Variation ID: 1915138). Invitae Evidence Modeling of protein sequence and biophysical properties (such as structural, functional, and spatial information, amino acid conservation, physicochemical variation, residue mobility, and thermodynamic stability) indicates that this missense variant is not expected to disrupt MTMR14 protein function with a negative predictive value of 80%. In summary, the available evidence is currently insufficient to determine the role of this variant in disease. Therefore, it has been classified as a Variant of Uncertain Significance.